The following is an entry in ClinVar:

ClinVar aggregate classification (germline): Uncertain significance (1 of 4 stars; one submission).

Conditions:
Familial thoracic aortic aneurysm and aortic dissection (TAAD). Also called: Thoracic aortic aneurysms and dissections. Identifiers: Orphanet 91387, MedGen C4707243, MONDO:0019625.

Submission:

Ambry Genetics
Classification: Uncertain significance for Familial thoracic aortic aneurysm and aortic dissection. Last evaluated: 2022-04-19. Review status: criteria provided, single submitter. Criteria: Ambry Variant Classification Scheme 2023. Collection method: clinical testing. Allele origin: germline.
Comment: The p.D1656E variant (also known as c.4968C>G), located in coding exon 34 of the MYH11 gene, results from a C to G substitution at nucleotide position 4968. The aspartic acid at codon 1656 is replaced by glutamic acid, an amino acid with highly similar properties. This amino acid position is conserved. In addition, this alteration is predicted to be tolerated by in silico analysis. Since supporting evidence is limited at this time, the clinical significance of this alteration remains unclear.

NM_002474.3(MYH11):c.4968C>G (p.Asp1656Glu)

Genes: MYH11 (myosin heavy chain 11; minus strand), NDE1 (nudE neurodevelopment protein 1; plus strand). Cytogenetic location: 16p13.11.
Variant type: single nucleotide variant.
Coding change: c.4968C>G on transcript NM_002474.3 (MANE Select); coding-DNA position 4968, C replaced by G.
Protein change: p.Asp1656Glu; replaces aspartic acid 1656 with glutamic acid.
Molecular consequence: missense variant. On other transcripts: intron variant (2).
Genome position (GRCh38, 1-based): chr16:15,719,699, G>C on the plus strand (C>G on the coding strand, the complement: MYH11 is on the minus strand). VCF-style: chr16-15719699-G-C. GRCh37 (hg19) VCF-style: chr16-15813556-G-C.
Other names: c.4989C>G, p.Asp1663Glu (NM_001040113.2, NM_001040114.2); c.4968C>G, p.Asp1656Glu (NM_022844.3); c.948-4492G>C (NM_001143979.2, NM_017668.3); short protein forms D1656E, D1663E.
Identifiers: ClinVar variation 1744441 (VCV001744441.2), dbSNP rs2040364464, ClinGen allele CA394851935.